The following is an entry in ClinVar:

ClinVar aggregate classification (germline): Uncertain significance (1 of 4 stars; one submission).

Conditions:
Infantile spasms. Also called: Infantile spasm. Identifiers: MedGen C3887898, HP:0012469.

Allele frequency attached by ClinVar (database versions not stated): gnomAD 0.00001; TOPMed 0.00001.
gnomAD v4.1: 5 of 1,605,546 alleles (0.00031%); highest among the groups gnomAD compares: East Asian, 0.0022%; no homozygotes.

Submission:

Labcorp Genetics (formerly Invitae), Labcorp
Classification: Uncertain significance for Infantile spasms. Last evaluated: 2023-10-03. Review status: criteria provided, single submitter. Criteria: Invitae Variant Classification Sherloc (09022015). Collection method: clinical testing. Allele origin: germline.
Comment: This sequence change replaces proline, which is neutral and non-polar, with leucine, which is neutral and non-polar, at codon 781 of the PIK3AP1 protein (p.Pro781Leu). This variant is not present in population databases (gnomAD no frequency). This variant has not been reported in the literature in individuals affected with PIK3AP1-related conditions. An algorithm developed to predict the effect of missense changes on protein structure and function (PolyPhen-2) suggests that this variant is likely to be disruptive. In summary, the available evidence is currently insufficient to determine the role of this variant in disease. Therefore, it has been classified as a Variant of Uncertain Significance.

NM_152309.3(PIK3AP1):c.2342C>T (p.Pro781Leu)

Gene: PIK3AP1 (phosphoinositide-3-kinase adaptor protein 1; minus strand). Cytogenetic location: 10q24.1.
Variant type: single nucleotide variant.
Coding change: c.2342C>T on transcript NM_152309.3 (MANE Select); coding-DNA position 2342, C replaced by T.
Protein change: p.Pro781Leu; replaces proline 781 with leucine.
Molecular consequence: missense variant.
Genome position (GRCh38, 1-based): chr10:96,602,298, G>A on the plus strand (C>T on the coding strand, the complement: PIK3AP1 is on the minus strand). VCF-style: chr10-96602298-G-A. GRCh37 (hg19) VCF-style: chr10-98362055-G-A.
Other names: short protein forms P781L.
Identifiers: ClinVar variation 2889997 (VCV002889997.3), dbSNP rs1342073621, ClinGen allele CA377748986.